The following is an entry in ClinVar:

ClinVar aggregate classification (germline): Uncertain significance (1 of 4 stars; one submission).

Conditions:
Marfan syndrome (MFS). Also called: MARFAN SYNDROME, TYPE I; Marfan syndrome type 1; Marfan's syndrome; Marfan syndrome, classic; FBN1-Related Marfan Syndrome. Identifiers: Orphanet 284963, Orphanet 558, MedGen C0024796, MONDO:0007947, OMIM 154700.
Familial thoracic aortic aneurysm and aortic dissection (TAAD). Also called: Thoracic aortic aneurysms and dissections. Identifiers: Orphanet 91387, MedGen C4707243, MONDO:0019625.

Submission:

Labcorp Genetics (formerly Invitae), Labcorp
Classification: Uncertain significance for Marfan syndrome; Familial thoracic aortic aneurysm and aortic dissection. Last evaluated: 2023-01-26. Review status: criteria provided, single submitter. Criteria: Invitae Variant Classification Sherloc (09022015). Collection method: clinical testing. Allele origin: germline.
Comment: In summary, the available evidence is currently insufficient to determine the role of this variant in disease. Therefore, it has been classified as a Variant of Uncertain Significance. Advanced modeling of protein sequence and biophysical properties (such as structural, functional, and spatial information, amino acid conservation, physicochemical variation, residue mobility, and thermodynamic stability) performed at Invitae indicates that this missense variant is expected to disrupt FBN1 protein function. This missense change has been observed in individual(s) with FBN1-related conditions (Invitae). This variant is not present in population databases (gnomAD no frequency). This sequence change replaces serine, which is neutral and polar, with proline, which is neutral and non-polar, at codon 268 of the FBN1 protein (p.Ser268Pro).

NM_000138.5(FBN1):c.802T>C (p.Ser268Pro)

Gene: FBN1 (fibrillin 1; minus strand). Cytogenetic location: 15q21.1.
Variant type: single nucleotide variant.
Coding change: c.802T>C on transcript NM_000138.5 (MANE Select); coding-DNA position 802, T replaced by C.
Protein change: p.Ser268Pro; replaces serine 268 with proline.
Molecular consequence: missense variant.
Genome position (GRCh38, 1-based): chr15:48,534,140, A>G on the plus strand (T>C on the coding strand, the complement: FBN1 is on the minus strand). VCF-style: chr15-48534140-A-G. GRCh37 (hg19) VCF-style: chr15-48826337-A-G.
Other names: c.802T>C, p.Ser268Pro (NM_001406716.1, NM_001406717.1); short protein forms S268P.
Identifiers: ClinVar variation 2943641 (VCV002943641.3), dbSNP rs2505655429, ClinGen allele CA392352549.